The following is an entry in ClinVar:

NM_025114.4(CEP290):c.4894G>A (p.Glu1632Lys)

Gene: CEP290 (centrosomal protein 290; minus strand). Cytogenetic location: 12q21.32.
Variant type: single nucleotide variant.
Coding change: c.4894G>A on transcript NM_025114.4 (MANE Select); coding-DNA position 4894, G replaced by A.
Protein change: p.Glu1632Lys; replaces glutamic acid 1632 with lysine.
Molecular consequence: missense variant.
Genome position (GRCh38, 1-based): chr12:88,083,149, C>T on the plus strand (G>A on the coding strand, the complement: CEP290 is on the minus strand). VCF-style: chr12-88083149-C-T. GRCh37 (hg19) VCF-style: chr12-88476926-C-T.
Other names: short protein forms E1632K.
Identifiers: ClinVar variation 967979 (VCV000967979.7), dbSNP rs916470951, ClinGen allele CA241156687.

ClinVar aggregate classification (germline): Uncertain significance. Review status: criteria provided, multiple submitters, no conflicts (2 of 4 stars). 2 submissions from 2 submitters: Uncertain significance (2). Last evaluated 2022-08-21.

Conditions:
Meckel-Gruber syndrome. Also called: DYSENCEPHALIA SPLANCHNOCYSTICA; GRUBER SYNDROME; Dysencephalia splachnocystica. Identifiers: Orphanet 564, MedGen C0265215, MONDO:0018921.
Joubert syndrome. Also called: Familial aplasia of the vermis; JOUBERT-BOLTSHAUSER SYNDROME. Identifiers: Orphanet 475, MedGen C5979921, MONDO:0018772.
Nephronophthisis. Also called: Juvenile Nephronophthisis. Identifiers: Orphanet 655, MedGen C0687120, MONDO:0019005, HP:0000090.

gnomAD v4.1: 2 of 1,555,032 alleles (0.00013%); highest among the groups gnomAD compares: African/African-American, 0.0014%; no homozygotes.

Submissions (2):

Labcorp Genetics (formerly Invitae), Labcorp
Classification: Uncertain significance for Joubert syndrome; Meckel-Gruber syndrome; Nephronophthisis. Last evaluated: 2022-08-21. Review status: criteria provided, single submitter. Criteria: Invitae Variant Classification Sherloc (09022015). Collection method: clinical testing. Allele origin: germline.
Comment: This sequence change replaces glutamic acid, which is acidic and polar, with lysine, which is basic and polar, at codon 1632 of the CEP290 protein (p.Glu1632Lys). This variant is not present in population databases (gnomAD no frequency). This variant has not been reported in the literature in individuals affected with CEP290-related conditions. ClinVar contains an entry for this variant (Variation ID: 967979). Algorithms developed to predict the effect of missense changes on protein structure and function are either unavailable or do not agree on the potential impact of this missense change (SIFT: "Deleterious"; PolyPhen-2: "Probably Damaging"; Align-GVGD: "Class C0"). In summary, the available evidence is currently insufficient to determine the role of this variant in disease. Therefore, it has been classified as a Variant of Uncertain Significance.

Blueprint Genetics
Classification: Uncertain significance. Last evaluated: 2021-10-26. Review status: criteria provided, single submitter. Criteria: ACMG Guidelines, 2015. Collection method: clinical testing. Allele origin: germline.